The following is an entry in ClinVar:

NM_177438.3(DICER1):c.72G>T (p.Met24Ile)

Gene: DICER1 (dicer 1, ribonuclease III; minus strand). Cytogenetic location: 14q32.13.
Variant type: single nucleotide variant.
Coding change: c.72G>T on transcript NM_177438.3 (MANE Select); coding-DNA position 72, G replaced by T.
Protein change: p.Met24Ile; replaces methionine 24 with isoleucine.
Molecular consequence: missense variant.
Genome position (GRCh38, 1-based): chr14:95,133,387, C>A on the plus strand (G>T on the coding strand, the complement: DICER1 is on the minus strand). VCF-style: chr14-95133387-C-A. GRCh37 (hg19) VCF-style: chr14-95599724-C-A.
Other names: c.72G>T, p.Met24Ile (NM_001195573.1, NM_001271282.3, NM_001291628.2 and 1 more transcripts); short protein forms M24I.
Identifiers: ClinVar variation 1440672 (VCV001440672.9), dbSNP rs751520020, ClinGen allele CA7331752.

ClinVar aggregate classification (germline): Uncertain significance. Review status: criteria provided, multiple submitters, no conflicts (2 of 4 stars). 2 submissions from 2 submitters: Uncertain significance (2). Last evaluated 2025-04-09.

Conditions:
Hereditary cancer-predisposing syndrome. Also called: Neoplastic Syndromes, Hereditary; Hereditary Cancer Syndrome; Tumor predisposition; Hereditary neoplastic syndrome. Identifiers: Orphanet 140162, MedGen C0027672, MeSH D009386, MONDO:0015356.
DICER1-related tumor predisposition. Also called: DICER1-related pleuropulmonary blastoma cancer predisposition syndrome; DICER1 syndrome. Identifiers: Orphanet 284343, MedGen C3839822, MONDO:0100216.

Allele frequency attached by ClinVar (database versions not stated): gnomAD 0.00001.
gnomAD v4.1: 5 of 1,613,950 alleles (0.00031%); no homozygotes.

Submissions (2):

Labcorp Genetics (formerly Invitae), Labcorp
Classification: Uncertain significance for DICER1-related tumor predisposition. Last evaluated: 2025-04-09. Review status: criteria provided, single submitter. Criteria: Invitae Variant Classification Sherloc (09022015). Collection method: clinical testing. Allele origin: germline.
Comment: This sequence change replaces methionine, which is neutral and non-polar, with isoleucine, which is neutral and non-polar, at codon 24 of the DICER1 protein (p.Met24Ile). This variant is present in population databases (rs751520020, gnomAD 0.009%). This variant has not been reported in the literature in individuals affected with DICER1-related conditions. ClinVar contains an entry for this variant (Variation ID: 1440672). Invitae Evidence Modeling of protein sequence and biophysical properties (such as structural, functional, and spatial information, amino acid conservation, physicochemical variation, residue mobility, and thermodynamic stability) indicates that this missense variant is not expected to disrupt DICER1 protein function with a negative predictive value of 95%. In summary, the available evidence is currently insufficient to determine the role of this variant in disease. Therefore, it has been classified as a Variant of Uncertain Significance.

Ambry Genetics
Classification: Uncertain significance for Hereditary cancer-predisposing syndrome. Last evaluated: 2022-03-01. Review status: criteria provided, single submitter. Criteria: Ambry Variant Classification Scheme 2023. Collection method: clinical testing. Allele origin: germline.
Comment: The p.M24I variant (also known as c.72G>T), located in coding exon 1 of the DICER1 gene, results from a G to T substitution at nucleotide position 72. The methionine at codon 24 is replaced by isoleucine, an amino acid with highly similar properties. This amino acid position is conserved. In addition, the in silico prediction for this alteration is inconclusive. Since supporting evidence is limited at this time, the clinical significance of this alteration remains unclear.